The following is an entry in ClinVar:

NM_001378454.1(ALMS1):c.11041del (p.Ser3681fs)

Gene: ALMS1 (ALMS1 centrosome and basal body associated protein; plus strand). Cytogenetic location: 2p13.1.
Variant type: Deletion.
Coding change: c.11041del on transcript NM_001378454.1 (MANE Select); coding-DNA position 11041, one base deleted (A; older notation c.11041delA).
Protein change: p.Ser3681fs; shifts the reading frame from serine 3681.
Molecular consequence: frameshift variant.
Genome position (GRCh38, 1-based): chr2:73,572,918, A deleted; the last of 4 consecutive A bases (chr2:73,572,915-73,572,918); deleting any one gives the same sequence. VCF-style (leftmost placement, unchanged base first): chr2-73572914-TA-T. GRCh37 (hg19) VCF-style: chr2-73800041-TA-T.
Other names: c.11044del, p.Ser3682fs (NM_015120.4); short protein forms S3681fs, S3682fs.
Identifiers: ClinVar variation 2121801 (VCV002121801.4), dbSNP rs779182344, ClinGen allele CA1715109.

ClinVar aggregate classification (germline): Pathogenic (1 of 4 stars; one submission).

Conditions:
Alstrom syndrome (ALMS). Identifiers: Orphanet 64, MedGen C0268425, MONDO:0008763, OMIM 203800.

Submission:

Labcorp Genetics (formerly Invitae), Labcorp
Classification: Pathogenic for Alstrom syndrome. Last evaluated: 2022-04-05. Review status: criteria provided, single submitter. Criteria: Invitae Variant Classification Sherloc (09022015). Collection method: clinical testing. Allele origin: germline.
Comment: For these reasons, this variant has been classified as Pathogenic. This variant has not been reported in the literature in individuals affected with ALMS1-related conditions. This variant is present in population databases (rs779182344, gnomAD 0.01%). This sequence change creates a premature translational stop signal (p.Ser3682Alafs*2) in the ALMS1 gene. It is expected to result in an absent or disrupted protein product. Loss-of-function variants in ALMS1 are known to be pathogenic (PMID: 17594715).

Literature cited by the submitters: PubMed 17594715.